The following is an entry in ClinVar:

ClinVar aggregate classification (germline): Uncertain significance (1 of 4 stars; one submission).

Submission:

Labcorp Genetics (formerly Invitae), Labcorp
Classification: Uncertain significance. Last evaluated: 2023-02-14. Review status: criteria provided, single submitter. Criteria: Invitae Variant Classification Sherloc (09022015). Collection method: clinical testing. Allele origin: unknown.
Comment: In summary, the available evidence is currently insufficient to determine the role of this variant in disease. Therefore, it has been classified as a Variant of Uncertain Significance. This variant has not been reported in the literature in individuals affected with MYLK3-related conditions. This variant results in a copy number gain of the genomic region encompassing exon(s) 12-13 of the MYLK3 gene. This region includes the termination codon of the gene. This copy number gain extends beyond the assayed region for this gene and therefore may encompass additional genes. As the precise location of this event is unknown, it may be in tandem or it may be located elsewhere in the genome.

NC_000016.9:g.(?_46694384)_(46743603_?)dup

Genes: MYLK3 (myosin light chain kinase 3; minus strand), ORC6 (origin recognition complex subunit 6; plus strand), VPS35 (VPS35 retromer complex component; minus strand). Cytogenetic location: 16q11.2.
Variant type: Duplication.
Identifiers: ClinVar variation 3243675 (VCV003243675.1).